The following is an entry in ClinVar:

ClinVar aggregate classification (germline): Benign. Review status: criteria provided, multiple submitters, no conflicts (2 of 4 stars). 2 submissions from 2 submitters: Benign (2). Last evaluated 2018-06-14.

Allele frequency attached by ClinVar (database versions not stated): gnomAD exomes 0.00555; gnomAD 0.05214 and 0.05594; TOPMed 0.05834; 1000 Genomes Project 0.06090; 1000 Genomes Project 30x 0.06512.
gnomAD v4.1: 15,027 of 1,373,298 alleles (1.1%); highest among the groups gnomAD compares: African/African-American, 18%; 1,178 homozygotes.

Submissions (2):

GeneDx
Classification: Benign. Last evaluated: 2018-06-14. Review status: criteria provided, single submitter. Criteria: GeneDx Variant Classification (06012015). Collection method: clinical testing. Allele origin: germline. Affected: yes.
Comment: This variant is considered likely benign or benign based on one or more of the following criteria: it is a conservative change, it occurs at a poorly conserved position in the protein, it is predicted to be benign by multiple in silico algorithms, and/or has population frequency not consistent with disease.

Breakthrough Genomics
Classification: Benign. Review status: criteria provided, single submitter. Criteria: ACMG Guidelines, 2015. Collection method: not provided. Allele origin: germline. Inheritance: Autosomal recessive inheritance. Affected: yes.

NM_000090.4(COL3A1):c.799-86A>G

Gene: COL3A1 (collagen type III alpha 1 chain; plus strand). Cytogenetic location: 2q32.2.
Variant type: single nucleotide variant.
Coding change: c.799-86A>G on transcript NM_000090.4 (MANE Select); 86 bases into the intron before coding-DNA position 799, A replaced by G.
Molecular consequence: intron variant.
Genome position (GRCh38, 1-based): chr2:188,990,918, A>G. VCF-style: chr2-188990918-A-G. GRCh37 (hg19) VCF-style: chr2-189855644-A-G.
Identifiers: ClinVar variation 674622 (VCV000674622.2), dbSNP rs16830984, ClinGen allele CA62592216.